The following is an entry in ClinVar:

NM_004431.5(EPHA2):c.1801G>T (p.Val601Leu)

Gene: EPHA2 (EPH receptor A2; minus strand). Cytogenetic location: 1p36.13.
Variant type: single nucleotide variant.
Coding change: c.1801G>T on transcript NM_004431.5 (MANE Select); coding-DNA position 1801, G replaced by T.
Protein change: p.Val601Leu; replaces valine 601 with leucine.
Molecular consequence: missense variant.
Genome position (GRCh38, 1-based): chr1:16,133,544, C>A on the plus strand (G>T on the coding strand, the complement: EPHA2 is on the minus strand). VCF-style: chr1-16133544-C-A. GRCh37 (hg19) VCF-style: chr1-16460039-C-A.
Other names: c.1639G>T, p.Val547Leu (NM_001329090.2); short protein forms V601L, V547L.
Identifiers: ClinVar variation 2852618 (VCV002852618.3), dbSNP rs1039125105, ClinGen allele CA18329544.

ClinVar aggregate classification (germline): Uncertain significance (1 of 4 stars; one submission).

Conditions:
Cataract 6 multiple types. Also called: CATARACT 6, POSTERIOR POLAR; CATARACT 6, CONGENITAL TOTAL; CATARACT, AGE-RELATED CORTICAL, 2. Identifiers: Orphanet 91492, MedGen C1861825, MONDO:0007288, OMIM 116600.

gnomAD v4.1: 44 of 1,614,116 alleles (0.0027%); highest among the groups gnomAD compares: Middle Eastern, 0.017%; no homozygotes.

Submission:

Labcorp Genetics (formerly Invitae), Labcorp
Classification: Uncertain significance for Cataract 6 multiple types. Last evaluated: 2023-09-08. Review status: criteria provided, single submitter. Criteria: Invitae Variant Classification Sherloc (09022015). Collection method: clinical testing. Allele origin: germline.
Comment: This sequence change replaces valine, which is neutral and non-polar, with leucine, which is neutral and non-polar, at codon 601 of the EPHA2 protein (p.Val601Leu). This variant is present in population databases (no rsID available, gnomAD 0.02%). This variant has not been reported in the literature in individuals affected with EPHA2-related conditions. Advanced modeling of protein sequence and biophysical properties (such as structural, functional, and spatial information, amino acid conservation, physicochemical variation, residue mobility, and thermodynamic stability) performed at Invitae indicates that this missense variant is not expected to disrupt EPHA2 protein function. In summary, the available evidence is currently insufficient to determine the role of this variant in disease. Therefore, it has been classified as a Variant of Uncertain Significance.